The following is an entry in ClinVar:

ClinVar aggregate classification (germline): Likely benign. Review status: criteria provided, multiple submitters, no conflicts (2 of 4 stars). 2 submissions from 2 submitters: Likely benign (2). Last evaluated 2026-07-08.

Conditions:
Rhabdoid tumor predisposition syndrome 2 (RTPS2). Identifiers: Orphanet 231108, Orphanet 69077, MedGen C2750074, MONDO:0013224, OMIM 613325.

Allele frequency attached by ClinVar (database versions not stated): gnomAD exomes below 0.00001; TOPMed below 0.00001.
gnomAD v4.1: 2 of 1,610,444 alleles (0.00012%); highest among the groups gnomAD compares: African/African-American, 0.0013%; no homozygotes.

Submissions (2):

Myriad Genetics, Inc.
Classification: Likely benign for Rhabdoid tumor predisposition syndrome 2. Last evaluated: 2026-07-08. Review status: criteria provided, single submitter. Criteria: Myriad Autosomal Dominant, Autosomal Recessive and X-Linked Classification Criteria (2023). Collection method: clinical testing. Allele origin: unknown.
Comment: This variant is considered likely benign. This variant is intronic and is not expected to impact mRNA splicing.

Labcorp Genetics (formerly Invitae), Labcorp
Classification: Likely benign for Rhabdoid tumor predisposition syndrome 2. Last evaluated: 2025-08-18. Review status: criteria provided, single submitter. Criteria: Invitae Variant Classification Sherloc (09022015). Collection method: clinical testing. Allele origin: germline.

NM_003072.5(SMARCA4):c.4534-17C>T

Gene: SMARCA4 (SWI/SNF related BAF chromatin remodeling complex subunit ATPase 4; plus strand). Cytogenetic location: 19p13.2.
Variant type: single nucleotide variant.
Coding change: c.4534-17C>T on transcript NM_003072.5 (MANE Select); 17 bases into the intron before coding-DNA position 4534, C replaced by T.
Molecular consequence: intron variant.
Genome position (GRCh38, 1-based): chr19:11,058,771, C>T. VCF-style: chr19-11058771-C-T. GRCh37 (hg19) VCF-style: chr19-11169447-C-T.
Other names: c.4534-17C>T (NM_001128844.3); c.4630-17C>T (NM_001128849.3, NM_001387283.1); c.4435-17C>T (NM_001128847.4, NM_001374457.1); c.4444-17C>T (NM_001128845.2); c.4441-17C>T (NM_001128846.2); c.4432-17C>T (NM_001128848.2).
Identifiers: ClinVar variation 2196236 (VCV002196236.5), dbSNP rs921475786, ClinGen allele CA305298605.